The following is an entry in ClinVar:

ClinVar aggregate classification (germline): Likely benign (1 of 4 stars; one submission).

Allele frequency attached by ClinVar (database versions not stated): gnomAD exomes below 0.00001 and 0.00001; gnomAD 0.00001; TOPMed 0.00001.

Submission:

GeneDx
Classification: Likely benign. Last evaluated: 2016-10-21. Review status: criteria provided, single submitter. Criteria: GeneDx Variant Classification (06012015). Collection method: clinical testing. Allele origin: germline. Affected: yes.
Comment: This variant is considered likely benign or benign based on one or more of the following criteria: it is a conservative change, it occurs at a poorly conserved position in the protein, it is predicted to be benign by multiple in silico algorithms, and/or has population frequency not consistent with disease.

NM_006514.4(SCN10A):c.3805-12A>G

Gene: SCN10A (sodium voltage-gated channel alpha subunit 10; minus strand). Cytogenetic location: 3p22.2.
Variant type: single nucleotide variant.
Coding change: c.3805-12A>G on transcript NM_006514.4 (MANE Select); 12 bases into the intron before coding-DNA position 3805, A replaced by G.
Molecular consequence: intron variant.
Genome position (GRCh38, 1-based): chr3:38,712,457, T>C on the plus strand (A>G on the coding strand, the complement: SCN10A is on the minus strand). VCF-style: chr3-38712457-T-C. GRCh37 (hg19) VCF-style: chr3-38753948-T-C.
Other names: c.3511-12A>G (NM_001293307.2); c.3802-12A>G (NM_001293306.2).
Identifiers: ClinVar variation 390114 (VCV000390114.1), dbSNP rs985392065, ClinGen allele CA16604574.
Genomic context (GRCh38, chr3:38,712,457, plus strand): 5'-GGACATTCATGATGGATGGGATGGCGCCCACCAGGGCATCCACCACCACCTGGTGGGAGA[T>C]AGAGAAAGACCTGGAACCTCCCAATGCCCCACCCCCTCTGCTGGATTCTATCTCTTTCTA-3'